The following is an entry in ClinVar:

ClinVar aggregate classification (germline): Uncertain significance. Review status: criteria provided, multiple submitters, no conflicts (2 of 4 stars). 2 submissions from 2 submitters: Uncertain significance (2). Last evaluated 2024-07-01.

Conditions:
Cystic fibrosis (CF). Also called: MUCOVISCIDOSIS. Identifiers: Orphanet 586, MedGen C0010674, MONDO:0009061, OMIM 219700. Disease mechanism: loss of function.

Submissions (2):

Women's Health and Genetics/Laboratory Corporation of America, LabCorp
Classification: Uncertain significance. Last evaluated: 2024-07-01. Review status: criteria provided, single submitter. Criteria: LabCorp Variant Classification Summary - May 2015. Collection method: clinical testing. Allele origin: germline.
Comment: Variant summary: CFTR c.456G>A (p.Met152Ile) results in a conservative amino acid change located in the ABC transporter type 1, transmembrane domain (IPR011527) of the encoded protein sequence. Four of five in-silico tools predict a benign effect of the variant on protein function. The variant was absent in 250248 control chromosomes. The available data on variant occurrences in the general population are insufficient to allow any conclusion about variant significance. To our knowledge, no occurrence of c.456G>A in individuals affected with Cystic Fibrosis and no experimental evidence demonstrating its impact on protein function have been reported. ClinVar contains an entry for this variant (Variation ID: 637971). Based on the evidence outlined above, the variant was classified as uncertain significance.

MVZ Martinsried, Medicover Genetics
Classification: Uncertain significance for Cystic fibrosis. Last evaluated: 2018-12-28. Review status: criteria provided, single submitter. Criteria: ACMG Guidelines, 2015. Collection method: clinical testing. Allele origin: unknown. Affected: no.

NM_000492.4(CFTR):c.456G>A (p.Met152Ile)

Gene: CFTR (CF transmembrane conductance regulator; plus strand). Cytogenetic location: 7q31.2.
Variant type: single nucleotide variant.
Coding change: c.456G>A on transcript NM_000492.4 (MANE Select); coding-DNA position 456, G replaced by A.
Protein change: p.Met152Ile; replaces methionine 152 with isoleucine.
Molecular consequence: missense variant.
Genome position (GRCh38, 1-based): chr7:117,531,081, G>A. VCF-style: chr7-117531081-G-A. GRCh37 (hg19) VCF-style: chr7-117171135-G-A.
Other names: short protein forms M152I.
Identifiers: ClinVar variation 637971 (VCV000637971.2), dbSNP rs1403470018, ClinGen allele CA368974982.